The following is an entry in ClinVar:

NM_001308093.3(GATA4):c.842C>A (p.Thr281Lys)

Gene: GATA4 (GATA binding protein 4). Cytogenetic location: 8p23.1.
Variant type: single nucleotide variant.
Coding change: c.842C>A on transcript NM_001308093.3 (MANE Select); coding-DNA position 842, C replaced by A.
Protein change: p.Thr281Lys; replaces threonine 281 with lysine.
Molecular consequence: missense variant. On other transcripts: intron variant (1).
Genome position (GRCh38, 1-based): chr8:11,750,166, C>A. VCF-style: chr8-11750166-C-A. GRCh37 (hg19) VCF-style: chr8-11607675-C-A.
Other names: c.221C>A, p.Thr74Lys (NM_001308094.2, NM_001374273.1); c.839C>A, p.Thr280Lys (NM_002052.5); c.165+1081C>A (NM_001374274.1); short protein forms T280K, T281K, T74K.
Identifiers: ClinVar variation 3902353 (VCV003902353.1).

ClinVar aggregate classification (germline): Uncertain significance (1 of 4 stars; one submission).

Submission:

Women's Health and Genetics/Laboratory Corporation of America, LabCorp
Classification: Uncertain significance. Last evaluated: 2025-05-09. Review status: criteria provided, single submitter. Criteria: LabCorp Variant Classification Summary - May 2015. Collection method: clinical testing. Allele origin: germline.
Comment: Variant summary: GATA4 c.839C>A (p.Thr280Lys) results in a non-conservative amino acid change in the encoded protein sequence. Algorithms developed to predict the effect of missense changes on protein structure and function all suggest that this variant is likely to be disruptive. The variant was absent in 250914 control chromosomes. The available data on variant occurrences in the general population are insufficient to allow any conclusion about variant significance. To our knowledge, no occurrence of c.839C>A in individuals affected with Atrial Septal Defect and no experimental evidence demonstrating its impact on protein function have been reported. No submitters have cited clinical-significance assessments for this variant to ClinVar. Based on the evidence outlined above, the variant was classified as uncertain significance.